The following is an entry in ClinVar:

NM_005883.3(APC2):c.2469C>T (p.Arg823=)

Gene: APC2 (APC regulator of Wnt signaling pathway 2; plus strand). Cytogenetic location: 19p13.3.
Variant type: single nucleotide variant.
Coding change: c.2469C>T on transcript NM_005883.3 (MANE Select); coding-DNA position 2469, C replaced by T.
Protein change: p.Arg823=; no amino-acid change (arginine 823 retained).
Molecular consequence: synonymous variant.
Genome position (GRCh38, 1-based): chr19:1,465,770, C>T. VCF-style: chr19-1465770-C-T. GRCh37 (hg19) VCF-style: chr19-1465769-C-T.
Other names: c.2466C>T, p.Arg822= (NM_001351273.1).
Identifiers: ClinVar variation 710138 (VCV000710138.10), dbSNP rs374551146, ClinGen allele CA9045451.

ClinVar aggregate classification (germline): Likely benign. Review status: criteria provided, single submitter (1 of 4 stars). 2 submissions from 2 submitters: Likely benign (1). 1 of the submissions does not count toward it. Last evaluated 2025-07-21.

Conditions:
APC2-related disorder. Also called: APC2-related condition; APC2-Related Disorders.

Allele frequency attached by ClinVar (database versions not stated): gnomAD exomes 0.00002 and 0.00005; ExAC 0.00013; gnomAD 0.00018 and 0.00021; TOPMed 0.00028; ESP Exome Variant Server 0.00031.
gnomAD v4.1: 60 of 1,555,666 alleles (0.0039%); highest among the groups gnomAD compares: African/African-American, 0.078%; no homozygotes.

Submissions (2):

Labcorp Genetics (formerly Invitae), Labcorp
Classification: Likely benign. Last evaluated: 2025-07-21. Review status: criteria provided, single submitter. Criteria: Invitae Variant Classification Sherloc (09022015). Collection method: clinical testing. Allele origin: germline.

PreventionGenetics, part of Exact Sciences
Classification: Likely benign for APC2-related condition. Last evaluated: 2019-08-14. Review status: no assertion criteria provided. Collection method: clinical testing. Allele origin: germline. Not counted in ClinVar's aggregate classification.
Comment: This variant is classified as likely benign based on ACMG/AMP sequence variant interpretation guidelines (Richards et al. 2015 PMID: 25741868, with internal and published modifications).